The following is an entry in ClinVar:

NM_001904.4(CTNNB1):c.2263G>C (p.Asp755His)

Gene: CTNNB1 (catenin beta 1; plus strand). Cytogenetic location: 3p22.1.
Variant type: single nucleotide variant.
Coding change: c.2263G>C on transcript NM_001904.4 (MANE Select); coding-DNA position 2263, G replaced by C.
Protein change: p.Asp755His; replaces aspartic acid 755 with histidine.
Molecular consequence: missense variant.
Genome position (GRCh38, 1-based): chr3:41,239,259, G>C. VCF-style: chr3-41239259-G-C. GRCh37 (hg19) VCF-style: chr3-41280750-G-C.
Other names: c.2263G>C, p.Asp755His (NM_001098209.2, NM_001098210.2); c.2242G>C, p.Asp748His (NM_001330729.2); short protein forms D748H, D755H.
Identifiers: ClinVar variation 3363382 (VCV003363382.1).
Genomic context (GRCh38, chr3:41,239,259, plus strand): 5'-ATGGAACATGAGATGGGTGGCCACCACCCTGGTGCTGACTATCCAGTTGATGGGCTGCCA[G>C]ATCTGGGGCATGCCCAGGACCTCATGGATGGGCTGCCTCCAGGTGACAGCAATCAGCTGG-3'
Protein context (NP_001895.1, residues 745-765): GADYPVDGLP[Asp755His]LGHAQDLMDG

ClinVar aggregate classification (germline): Uncertain significance (1 of 4 stars; one submission).

Submission:

GeneDx
Classification: Uncertain significance. Last evaluated: 2023-10-22. Review status: criteria provided, single submitter. Criteria: GeneDx Variant Classification Process June 2021. Collection method: clinical testing. Allele origin: germline. Affected: yes.
Comment: Not observed at significant frequency in large population cohorts (gnomAD); In silico analysis supports that this missense variant does not alter protein structure/function; Has not been previously published as pathogenic or benign to our knowledge